The following is an entry in ClinVar:

ClinVar aggregate classification (germline): Uncertain significance (1 of 4 stars; one submission).

Submission:

Labcorp Genetics (formerly Invitae), Labcorp
Classification: Uncertain significance. Last evaluated: 2019-09-09. Review status: criteria provided, single submitter. Criteria: Invitae Variant Classification Sherloc (09022015). Collection method: clinical testing. Allele origin: germline.
Comment: In summary, the available evidence is currently insufficient to determine the role of this variant in disease. Therefore, it has been classified as a Variant of Uncertain Significance. Algorithms developed to predict the effect of missense changes on protein structure and function are either unavailable or do not agree on the potential impact of this missense change (SIFT: "Deleterious"; PolyPhen-2: "Probably Damaging"; Align-GVGD: "Class C0"). This variant has not been reported in the literature in individuals with FAM161A-related conditions. This variant is not present in population databases (ExAC no frequency). This sequence change replaces glutamine with arginine at codon 243 of the FAM161A protein (p.Gln243Arg). The glutamine residue is highly conserved and there is a small physicochemical difference between glutamine and arginine.

NM_001201543.2(FAM161A):c.728A>G (p.Gln243Arg)

Gene: FAM161A (FAM161 centrosomal protein A; minus strand). Cytogenetic location: 2p15.
Variant type: single nucleotide variant.
Coding change: c.728A>G on transcript NM_001201543.2 (MANE Select); coding-DNA position 728, A replaced by G.
Protein change: p.Gln243Arg; replaces glutamine 243 with arginine.
Molecular consequence: missense variant. On other transcripts: non-coding transcript variant (1).
Genome position (GRCh38, 1-based): chr2:61,840,276, T>C on the plus strand (A>G on the coding strand, the complement: FAM161A is on the minus strand). VCF-style: chr2-61840276-T-C. GRCh37 (hg19) VCF-style: chr2-62067411-T-C.
Other names: c.728A>G, p.Gln243Arg (NM_032180.3); short protein forms Q243R.
Identifiers: ClinVar variation 934731 (VCV000934731.9), dbSNP rs764426425, ClinGen allele CA346988522.